The following is an entry in ClinVar:

NM_001004334.4(GPR179):c.3569G>A (p.Arg1190Gln)

Gene: GPR179 (G protein-coupled receptor 179; minus strand). Cytogenetic location: 17q12.
Variant type: single nucleotide variant.
Coding change: c.3569G>A on transcript NM_001004334.4 (MANE Select); coding-DNA position 3569, G replaced by A.
Protein change: p.Arg1190Gln; replaces arginine 1190 with glutamine.
Molecular consequence: missense variant.
Genome position (GRCh38, 1-based): chr17:38,330,000, C>T on the plus strand (G>A on the coding strand, the complement: GPR179 is on the minus strand). VCF-style: chr17-38330000-C-T. GRCh37 (hg19) VCF-style: chr17-36485883-C-T.
Other names: short protein forms R1190Q.
Identifiers: ClinVar variation 322996 (VCV000322996.14), dbSNP rs80172972, ClinGen allele CA10645565.
Genomic context (GRCh38, chr17:38,330,000, plus strand): 5'-TTGTCCCTGGAAACTTGCCTCAGCATGGCAAGCCCTGTTTTACCTGCTCTCTCAGCTTTC[C>T]GTTCCCCTAGACCCTGGGTCATCCTCCTGCCTCTGTCTTCTTGTTCCCTGCTGCCCTCCC-3'
Protein context (NP_001004334.3, residues 1180-1200): GRRMTQGLGE[Arg1190Gln]KAERAGKTGL

ClinVar aggregate classification (germline): Benign. Review status: criteria provided, multiple submitters, no conflicts (2 of 4 stars). 3 submissions from 3 submitters: Benign (3). Last evaluated 2026-01-18.

Conditions:
Congenital stationary night blindness 1E. Also called: Night blindness, congenital stationary (complete), 1E, autosomal recessive. Identifiers: Orphanet 215, MedGen C3281215, MONDO:0013807, OMIM 614565.

Allele frequency attached by ClinVar (database versions not stated): gnomAD exomes 0.00100 and 0.00256; ExAC 0.00327; gnomAD 0.01055 and 0.01140; 1000 Genomes Project 0.01078; 1000 Genomes Project 30x 0.01171; TOPMed 0.01187; ESP Exome Variant Server 0.01188.
gnomAD v4.1: 3,123 of 1,614,250 alleles (0.19%); highest among the groups gnomAD compares: African/African-American, 3.7%; 48 homozygotes.

Submissions (3):

Labcorp Genetics (formerly Invitae), Labcorp
Classification: Benign. Last evaluated: 2026-01-18. Review status: criteria provided, single submitter. Criteria: Invitae Variant Classification Sherloc (09022015). Collection method: clinical testing. Allele origin: germline.

Illumina Laboratory Services, Illumina
Classification: Benign for Congenital stationary night blindness 1E. Last evaluated: 2018-01-13. Review status: criteria provided, single submitter. Criteria: ICSL Variant Classification Criteria 13 December 2019. Collection method: clinical testing. Allele origin: germline.
Comment: This variant was observed in the ICSL laboratory as part of a predisposition screen in an ostensibly healthy population. It had not been previously curated by ICSL or reported in the Human Gene Mutation Database (HGMD: prior to June 1st, 2018), and was therefore a candidate for classification through an automated scoring system. Utilizing variant allele frequency, disease prevalence and penetrance estimates, and inheritance mode, an automated score was calculated to assess if this variant is too frequent to cause the disease. Based on the score and internal cut-off values, a variant classified as benign is not then subjected to further curation. The score for this variant resulted in a classification of benign for this disease.

Breakthrough Genomics
Classification: Benign. Review status: criteria provided, single submitter. Criteria: ACMG Guidelines, 2015. Collection method: not provided. Allele origin: germline. Inheritance: Autosomal recessive inheritance. Affected: yes.